The following is an entry in ClinVar:

NM_018671.5(UNC45A):c.30G>T (p.Glu10Asp)

Genes: UNC45A (unc-45 myosin chaperone A; plus strand), LOC130057954 (ATAC-STARR-seq lymphoblastoid silent region 6833; plus strand). Cytogenetic location: 15q26.1.
Variant type: single nucleotide variant.
Coding change: c.30G>T on transcript NM_018671.5 (MANE Select); coding-DNA position 30, G replaced by T.
Protein change: p.Glu10Asp; replaces glutamic acid 10 with aspartic acid.
Molecular consequence: missense variant. On other transcripts: 5 prime UTR variant (1), intron variant (2).
Genome position (GRCh38, 1-based): chr15:90,935,354, G>T. VCF-style: chr15-90935354-G-T. GRCh37 (hg19) VCF-style: chr15-91478584-G-T.
Other names: c.30G>T, p.Glu10Asp (NM_001323619.1); c.-554G>T (NM_001323620.2); c.6+24G>T (NM_001039675.2, NM_001323621.2); short protein forms E10D.
Identifiers: ClinVar variation 1896513 (VCV001896513.3), dbSNP rs775770883, ClinGen allele CA7742379.

ClinVar aggregate classification (germline): Uncertain significance (1 of 4 stars; one submission).

gnomAD v4.1: 47 of 1,602,946 alleles (0.0029%); highest among the groups gnomAD compares: Middle Eastern, 0.049%; no homozygotes.

Submission:

Labcorp Genetics (formerly Invitae), Labcorp
Classification: Uncertain significance. Last evaluated: 2025-03-09. Review status: criteria provided, single submitter. Criteria: Invitae Variant Classification Sherloc (09022015). Collection method: clinical testing. Allele origin: germline.
Comment: This sequence change replaces glutamic acid, which is acidic and polar, with aspartic acid, which is acidic and polar, at codon 10 of the UNC45A protein (p.Glu10Asp). The frequency data for this variant in the population databases is considered unreliable, as metrics indicate poor data quality at this position in the gnomAD database. This variant has not been reported in the literature in individuals affected with UNC45A-related conditions. ClinVar contains an entry for this variant (Variation ID: 1896513). An algorithm developed to predict the effect of missense changes on protein structure and function outputs the following: PolyPhen-2: "Benign". The aspartic acid amino acid residue is found in multiple mammalian species, which suggests that this missense change does not adversely affect protein function. In summary, the available evidence is currently insufficient to determine the role of this variant in disease. Therefore, it has been classified as a Variant of Uncertain Significance.